The following is an entry in ClinVar:

ClinVar aggregate classification (germline): Uncertain significance (1 of 4 stars; one submission).

gnomAD v4.1: 28 of 1,614,146 alleles (0.0017%); highest among the groups gnomAD compares: South Asian, 0.03%; no homozygotes.

Submission:

Labcorp Genetics (formerly Invitae), Labcorp
Classification: Uncertain significance. Last evaluated: 2024-10-10. Review status: criteria provided, single submitter. Criteria: Invitae Variant Classification Sherloc (09022015). Collection method: clinical testing. Allele origin: germline.
Comment: This sequence change replaces valine, which is neutral and non-polar, with methionine, which is neutral and non-polar, at codon 266 of the BLK protein (p.Val266Met). This variant is present in population databases (rs777278971, gnomAD 0.03%). This variant has not been reported in the literature in individuals affected with BLK-related conditions. An algorithm developed to predict the effect of missense changes on protein structure and function (PolyPhen-2) suggests that this variant is likely to be disruptive. In summary, the available evidence is currently insufficient to determine the role of this variant in disease. Therefore, it has been classified as a Variant of Uncertain Significance.

NM_001715.3(BLK):c.796G>A (p.Val266Met)

Genes: BLK (BLK proto-oncogene, Src family tyrosine kinase), BLK-AS1 (BLK antisense RNA 1). Cytogenetic location: 8p23.1.
Variant type: single nucleotide variant.
Coding change: c.796G>A on transcript NM_001715.3 (MANE Select); coding-DNA position 796, G replaced by A.
Protein change: p.Val266Met; replaces valine 266 with methionine.
Molecular consequence: missense variant.
Genome position (GRCh38, 1-based): chr8:11,556,681, G>A. VCF-style: chr8-11556681-G-A. GRCh37 (hg19) VCF-style: chr8-11414190-G-A.
Other names: c.583G>A, p.Val195Met (NM_001330465.2); short protein forms V195M, V266M.
Identifiers: ClinVar variation 3716854 (VCV003716854.2).